The following is an entry in ClinVar:

NM_005401.5(PTPN14):c.2859A>G (p.Ile953Met)

Gene: PTPN14 (protein tyrosine phosphatase non-receptor type 14; minus strand). Cytogenetic location: 1q32.3.
Variant type: single nucleotide variant.
Coding change: c.2859A>G on transcript NM_005401.5 (MANE Select); coding-DNA position 2859, A replaced by G.
Protein change: p.Ile953Met; replaces isoleucine 953 with methionine.
Molecular consequence: missense variant.
Genome position (GRCh38, 1-based): chr1:214,376,267, T>C on the plus strand (A>G on the coding strand, the complement: PTPN14 is on the minus strand). VCF-style: chr1-214376267-T-C. GRCh37 (hg19) VCF-style: chr1-214549610-T-C.
Other names: short protein forms I953M.
Identifiers: ClinVar variation 2238889 (VCV002238889.3), dbSNP rs753599035, ClinGen allele CA1388768.

ClinVar aggregate classification (germline): Uncertain significance. Review status: criteria provided, multiple submitters, no conflicts (2 of 4 stars). 2 submissions from 2 submitters: Uncertain significance (2). Last evaluated 2024-10-16.

Conditions:
Lymphedema-posterior choanal atresia syndrome. Identifiers: Orphanet 99141, MedGen C3150875, MONDO:0013324, OMIM 613611.

Allele frequency attached by ClinVar (database versions not stated): gnomAD 0.00006; TOPMed 0.00006; gnomAD exomes 0.00008; ExAC 0.00010.
gnomAD v4.1: 62 of 1,614,106 alleles (0.0038%); highest among the groups gnomAD compares: Admixed American, 0.098%; no homozygotes.

Submissions (2):

Clinical Genomics Laboratory, Washington University in St. Louis
Classification: Uncertain significance for Lymphedema-posterior choanal atresia syndrome. Last evaluated: 2024-10-16. Review status: criteria provided, single submitter. Criteria: ACMG Guidelines, 2015. Collection method: clinical testing. Allele origin: germline.
Comment: A PTPN14 c.2859A>G (p.Ile953Met) variant was identified at a near heterozygous allelic fraction of 48.49%, a frequency that may be consistent with germline origin. This variant, to our knowledge, has not been reported in the medical literature. This variant has been observed on 62/1,614,106 alleles in the general population (gnomAD v.4.1.0) and computational predictors indicate that the variant has no impact on the PTPN14 function. This variant was reported in the ClinVar database as a variant of uncertain significance by one submitter (ClinVar ID: 2238889). Due to limited information and based on ACMG/AMP guidelines for variant interpretation (Richards S et al., PMID: 25741868), the clinical significance of this variant is uncertain at this time.

Ambry Genetics
Classification: Uncertain significance. Last evaluated: 2021-08-02. Review status: criteria provided, single submitter. Criteria: Ambry Variant Classification Scheme 2023. Collection method: clinical testing. Allele origin: germline.